The following is an entry in ClinVar:

NM_001369.3(DNAH5):c.4597-2del

Genes: DNAH5 (dynein axonemal heavy chain 5; minus strand), DNAH5-AS1 (DNAH5 antisense RNA 1; plus strand). Cytogenetic location: 5p15.2.
Variant type: Deletion.
Coding change: c.4597-2del on transcript NM_001369.3 (MANE Select); the canonical splice acceptor site of the intron before coding-DNA position 4597, one base deleted (A; older notation c.4597-2delA).
Molecular consequence: splice acceptor variant.
Genome position (GRCh38, 1-based): chr5:13,862,749, T deleted on the plus strand (A on the coding strand, the reverse complement: DNAH5 is on the minus strand). VCF-style (leftmost placement, unchanged base first): chr5-13862748-CT-C. GRCh37 (hg19) VCF-style: chr5-13862857-CT-C.
Identifiers: ClinVar variation 2976916 (VCV002976916.3), dbSNP rs2546974224, ClinGen allele CA2740091697.

ClinVar aggregate classification (germline): Likely pathogenic (1 of 4 stars; one submission).

Conditions:
Primary ciliary dyskinesia. Also called: Ciliary dyskinesia. Identifiers: Orphanet 244, MedGen C0008780, MONDO:0016575, HP:0012265.

Submission:

Labcorp Genetics (formerly Invitae), Labcorp
Classification: Likely pathogenic for Primary ciliary dyskinesia. Last evaluated: 2023-04-14. Review status: criteria provided, single submitter. Criteria: Invitae Variant Classification Sherloc (09022015). Collection method: clinical testing. Allele origin: germline.
Comment: In summary, the currently available evidence indicates that the variant is pathogenic, but additional data are needed to prove that conclusively. Therefore, this variant has been classified as Likely Pathogenic. This sequence change affects a splice site in intron 28 of the DNAH5 gene. It is expected to disrupt RNA splicing. Variants that disrupt the donor or acceptor splice site typically lead to a loss of protein function (PMID: 16199547), and loss-of-function variants in DNAH5 are known to be pathogenic (PMID: 11788826, 16627867). This variant is not present in population databases (gnomAD no frequency). This variant has not been reported in the literature in individuals affected with DNAH5-related conditions. Algorithms developed to predict the effect of sequence changes on RNA splicing suggest that this variant may disrupt the consensus splice site.

Literature cited by the submitters: PubMed 16199547; PubMed 11788826; PubMed 16627867.